The following is an entry in ClinVar:

ClinVar aggregate classification (germline): Uncertain significance (1 of 4 stars; one submission).

Submission:

Ambry Genetics
Classification: Uncertain significance. Last evaluated: 2024-10-14. Review status: criteria provided, single submitter. Criteria: Ambry Variant Classification Scheme 2023. Collection method: clinical testing. Allele origin: germline.
Comment: The p.V112F variant (also known as c.334G>T), located in coding exon 3 of the RECQL gene, results from a G to T substitution at nucleotide position 334. The valine at codon 112 is replaced by phenylalanine, an amino acid with highly similar properties. This amino acid position is conserved. In addition, the in silico prediction for this alteration is inconclusive. Based on the available evidence, the clinical significance of this variant remains unclear.

NM_002907.4(RECQL):c.334G>T (p.Val112Phe)

Gene: RECQL (RecQ like helicase; minus strand). Cytogenetic location: 12p12.1.
Variant type: single nucleotide variant.
Coding change: c.334G>T on transcript NM_002907.4 (MANE Select); coding-DNA position 334, G replaced by T.
Protein change: p.Val112Phe; replaces valine 112 with phenylalanine.
Molecular consequence: missense variant.
Genome position (GRCh38, 1-based): chr12:21,490,259, C>A on the plus strand (G>T on the coding strand, the complement: RECQL is on the minus strand). VCF-style: chr12-21490259-C-A. GRCh37 (hg19) VCF-style: chr12-21643193-C-A.
Other names: c.334G>T, p.Val112Phe (NM_032941.3); short protein forms V112F.
Identifiers: ClinVar variation 3431808 (VCV003431808.1).